The following is an entry in ClinVar:

ClinVar aggregate classification (germline): Uncertain significance (1 of 4 stars; one submission).

Conditions:
Amyotrophic lateral sclerosis (ALS). Also called: Lou Gehrig disease; Charcot disease. Identifiers: Orphanet 803, MedGen C0002736, MONDO:0004976, HP:0007354.

gnomAD v4.1: 8 of 1,515,124 alleles (0.00053%); highest among the groups gnomAD compares: East Asian, 0.02%; no homozygotes.

Submission:

Department of Neurology, Brain Research Institute, Niigata University
Classification: Uncertain significance for Amyotrophic lateral sclerosis. Last evaluated: 2026-04-10. Review status: criteria provided, single submitter. Criteria: ACMG Guidelines, 2015. Collection method: research. Allele origin: unknown. Affected: yes.

NM_001199397.3(NEK1):c.445A>C (p.Ile149Leu)

Gene: NEK1 (NIMA related kinase 1; minus strand). Cytogenetic location: 4q33.
Variant type: single nucleotide variant.
Coding change: c.445A>C on transcript NM_001199397.3 (MANE Select); coding-DNA position 445, A replaced by C.
Protein change: p.Ile149Leu; replaces isoleucine 149 with leucine.
Molecular consequence: missense variant. On other transcripts: 5 prime UTR variant (2), non-coding transcript variant (2).
Genome position (GRCh38, 1-based): chr4:169,589,466, T>G on the plus strand (A>C on the coding strand, the complement: NEK1 is on the minus strand). VCF-style: chr4-169589466-T-G. GRCh37 (hg19) VCF-style: chr4-170510617-T-G.
Other names: c.445A>C, p.Ile149Leu (NM_001440623.1, NM_012224.4, NM_001199398.3 and 11 more transcripts); c.-177A>C (NM_001440624.1, NM_001440625.1); short protein forms I149L.
Identifiers: ClinVar variation 4820026 (VCV004820026.1).